The following is an entry in ClinVar:

NM_000436.4(OXCT1):c.853C>T (p.Arg285Trp)

Gene: OXCT1 (3-oxoacid CoA-transferase 1; minus strand). Cytogenetic location: 5p13.1.
Variant type: single nucleotide variant.
Coding change: c.853C>T on transcript NM_000436.4 (MANE Select); coding-DNA position 853, C replaced by T.
Protein change: p.Arg285Trp; replaces arginine 285 with tryptophan.
Molecular consequence: missense variant. On other transcripts: non-coding transcript variant (1).
Genome position (GRCh38, 1-based): chr5:41,805,669, G>A on the plus strand (C>T on the coding strand, the complement: OXCT1 is on the minus strand). VCF-style: chr5-41805669-G-A. GRCh37 (hg19) VCF-style: chr5-41805771-G-A.
Other names: c.874C>T, p.Arg292Trp (NM_001364299.2, NM_001364300.2); c.847C>T, p.Arg283Trp (NM_001364301.2); c.853C>T, p.Arg285Trp (NM_001364302.2); c.295C>T, p.Arg99Trp (NM_001364303.2); short protein forms R285W, R283W, R99W, R292W.
Identifiers: ClinVar variation 568255 (VCV000568255.6), dbSNP rs750604881, ClinGen allele CA3253453.

ClinVar aggregate classification (germline): Uncertain significance (1 of 4 stars; one submission).

Conditions:
Succinyl-CoA acetoacetate transferase deficiency (SCOTD). Also called: 3-Oxoacid CoA Transferase Deficiency; KETOACIDOSIS DUE TO SCOT DEFICIENCY; Succinyl CoA:3-oxoacid CoA transferase deficiency; SCOT DEFICIENCY; SUCCINYL-CoA:3-KETOACID CoA-TRANSFERASE DEFICIENCY. Identifiers: Orphanet 832, MedGen C0342792, MONDO:0009492, OMIM 245050.

Allele frequency attached by ClinVar (database versions not stated): TOPMed 0.00002; gnomAD 0.00003 and 0.00004; ExAC 0.00006; gnomAD exomes 0.00006.
gnomAD v4.1: 75 of 1,603,988 alleles (0.0047%); highest among the groups gnomAD compares: Non-Finnish European, 0.0061%; no homozygotes.

Submission:

Labcorp Genetics (formerly Invitae), Labcorp
Classification: Uncertain significance for Succinyl-CoA acetoacetate transferase deficiency. Last evaluated: 2023-07-17. Review status: criteria provided, single submitter. Criteria: Invitae Variant Classification Sherloc (09022015). Collection method: clinical testing. Allele origin: germline.
Comment: This sequence change replaces arginine, which is basic and polar, with tryptophan, which is neutral and slightly polar, at codon 285 of the OXCT1 protein (p.Arg285Trp). In summary, the available evidence is currently insufficient to determine the role of this variant in disease. Therefore, it has been classified as a Variant of Uncertain Significance. Advanced modeling of protein sequence and biophysical properties (such as structural, functional, and spatial information, amino acid conservation, physicochemical variation, residue mobility, and thermodynamic stability) performed at Invitae indicates that this missense variant is not expected to disrupt OXCT1 protein function. ClinVar contains an entry for this variant (Variation ID: 568255). This variant has not been reported in the literature in individuals affected with OXCT1-related conditions. This variant is present in population databases (rs750604881, gnomAD 0.009%).